The following is an entry in ClinVar:

NM_001281740.3(FHOD3):c.1580_1582del (p.Ser527del)

Gene: FHOD3 (formin homology 2 domain containing 3; plus strand). Cytogenetic location: 18q12.2.
Variant type: Deletion.
Coding change: c.1580_1582del on transcript NM_001281740.3 (MANE Select); coding-DNA positions 1580 to 1582, 3 bases deleted (CCT; older notation c.1580_1582delCCT).
Protein change: p.Ser527del; deletes serine 527.
Molecular consequence: inframe deletion. On other transcripts: intron variant (2).
Genome position (GRCh38, 1-based): chr18:36,652,863-36,652,865, CCT deleted; deleting any 3 consecutive bases within chr18:36,652,861-36,652,865 gives the same sequence; the c. name uses the placement nearest the transcript's 3' end. VCF-style (leftmost placement, unchanged base first): chr18-36652860-TCTC-T. GRCh37 (hg19) VCF-style: chr18-34232823-TCTC-T.
Other names: c.1197-5212_1197-5210delCCT (NM_025135.2); c.1197-5212_1197-5210del (NM_025135.5, NM_001281739.3); short protein forms S527del.
Identifiers: ClinVar variation 1174142 (VCV001174142.7), dbSNP rs1205890585, ClinGen allele CA629454893.

ClinVar aggregate classification (germline): Pathogenic/Likely pathogenic. Review status: criteria provided, multiple submitters, no conflicts (2 of 4 stars). 7 submissions from 7 submitters: Pathogenic (3); Likely pathogenic (3). 1 of the submissions does not count toward it. Last evaluated 2026-08-06.

Conditions:
FHOD3-related disorders.
Cardiomyopathy, familial hypertrophic, 28. Identifiers: MedGen C5543616, MONDO:0030317, OMIM 619402.
Inborn genetic diseases. Identifiers: MedGen C0950123, MeSH D030342.

Submissions (7):

OLLIN Analises Genomicas, OLLIN
Classification: Likely pathogenic. Last evaluated: 2026-08-06. Review status: criteria provided, single submitter. Criteria: ACMG Guidelines 2015 PMID 25741868. Collection method: clinical testing. Allele origin: germline.
Comment: This in-frame deletion, located in exon 12 (of 29), has been reported in ClinVar (accession VCV001174142.5), in gnomAD with an allele frequency of 0.00033%, and in the scientific literature, segregating with the phenotype, in individuals with FHOD3 related disorders (PMID: 31742804). This variant removes 1 amino acid, preserving the reading frame and leading to a reduced protein length. According to the currently available evidence, this variant has been classified as likely pathogenic (PM4, PP1_S).

Dasa
Classification: Pathogenic. Last evaluated: 2026-04-20. Review status: criteria provided, single submitter. Criteria: DASA Assertion Criteria. Collection method: clinical testing. Allele origin: germline.
Comment: NM_001281740.3(FHOD3):c.1580_1582del (p.Ser527del) is a sequence variant. Functional evidence supports a deleterious effect on the gene or gene product (PMID: 31742804; PMID: 30442288). This variant has been recurrently observed in individuals with related phenotype (PMID: 31742804; PMID: 30442288). Segregation evidence has been reported in affected families. The variant is present at low frequency in population datasets. Based on the available data, this variant is classified as pathogenic.

Ambry Genetics
Classification: Likely pathogenic for Inborn genetic diseases. Last evaluated: 2025-01-27. Review status: criteria provided, single submitter. Criteria: Ambry Variant Classification Scheme 2023. Collection method: clinical testing. Allele origin: germline.
Comment: The c.1197-5212_1197-5210delCCT alteration is located in intron 10 of the FHOD3 gene. This alteration consists of a deletion of 3 nucleotides between nucleotide positions c.1197-5212 and c.1197-5210. This variant is located in exon 12 of an alternate transcript, NM_001281740.1, that is mainly expressed in heart tissue. In NM_001281740.1 this variant is described as c.1580_1582delCCT (p.Ser527del) and consists of an in-frame deletion of 6 nucleotides at positions 1580 to 1582 that results in the deletion of 1 amino acid at codon 527. Based on data from gnomAD, this allele has an overall frequency of 0.001% (1/134346) total alleles studied. The highest observed frequency was 0.004% (1/22490) of South Asian alleles. This variant, reported as p.Ser527del, was identified in one or more individuals with features consistent with FHOD3-related hypertrophic cardiomyopathy and segregated with disease in at least one family (Ochoa, 2018; Huang, 2020). These nucleotide positions are well conserved in available vertebrate species. In silico splice site analysis predicts that this alteration will not have any significant effect on splicing. Based on the available evidence, this alteration is classified as likely pathogenic.

CeGaT Center for Human Genetics Tuebingen
Classification: Likely pathogenic. Last evaluated: 2024-11-01. Review status: criteria provided, single submitter. Criteria: CeGaT Center For Human Genetics Tuebingen Variant Classification Criteria Version 2. Collection method: clinical testing. Allele origin: germline. Affected: yes. Observed: 2 variant alleles.
Comment: FHOD3: PP1:Strong, PM2, PS4:Moderate, PM4:Supporting

Equipe Genetique des Anomalies du Developpement, Université de Bourgogne
Classification: Pathogenic for Cardiomyopathy, familial hypertrophic, 28. Last evaluated: 2023-06-29. Review status: criteria provided, single submitter. Criteria: ACMG Guidelines, 2015. Collection method: clinical testing. Allele origin: unknown. Inheritance: Autosomal dominant inheritance. Affected: yes.

Blueprint Genetics
Classification: Pathogenic for FHOD3-related disorders. Last evaluated: 2022-10-25. Review status: criteria provided, single submitter. Criteria: ACMG Guidelines, 2015. Collection method: clinical testing. Allele origin: germline. Affected: yes. Observed: 3 variant alleles.

OMIM
Classification: Pathogenic for CARDIOMYOPATHY, FAMILIAL HYPERTROPHIC, 28. Last evaluated: 2021-06-25. Review status: no assertion criteria provided. Collection method: literature only. Allele origin: germline. Not counted in ClinVar's aggregate classification.

Literature cited by the submitters: PubMed 31742804 (cited by 3 submitters); PubMed 30442288 (cited by Dasa and OMIM).